The following is an entry in ClinVar:

ClinVar aggregate classification (germline): Pathogenic (1 of 4 stars; one submission).

Conditions:
Congenital myasthenic syndrome 9. Also called: Myasthenic syndrome, congenital, 9, associated with acetylcholine receptor deficiency. Identifiers: Orphanet 590, MedGen C4225368, MONDO:0014587, OMIM 616325.
Fetal akinesia deformation sequence 1 (FADS1). Also called: Fetal akinesia sequence; Pena-Shokeir syndrome type I. Identifiers: Orphanet 994, MedGen C1276035, MONDO:0100101, OMIM 208150, HP:0001989.

Submission:

Labcorp Genetics (formerly Invitae), Labcorp
Classification: Pathogenic for Congenital myasthenic syndrome 9; Fetal akinesia deformation sequence 1. Last evaluated: 2025-06-16. Review status: criteria provided, single submitter. Criteria: Invitae Variant Classification Sherloc (09022015). Collection method: clinical testing. Allele origin: germline.
Comment: This sequence change creates a premature translational stop signal (p.Tyr756*) in the MUSK gene. While this is not anticipated to result in nonsense mediated decay, it is expected to disrupt the last 114 amino acid(s) of the MUSK protein. This variant is not present in population databases (gnomAD no frequency). This variant has not been reported in the literature in individuals affected with MUSK-related conditions. ClinVar contains an entry for this variant (Variation ID: 3758031). This variant disrupts a region of the MUSK protein in which other variant(s) (p.Leu821Phe) have been determined to be pathogenic (internal data). This suggests that this is a clinically significant region of the protein, and that variants that disrupt it are likely to be disease-causing. For these reasons, this variant has been classified as Pathogenic.

NM_005592.4(MUSK):c.2268C>G (p.Tyr756Ter)

Gene: MUSK (muscle associated receptor tyrosine kinase; plus strand). Cytogenetic location: 9q31.3.
Variant type: single nucleotide variant.
Coding change: c.2268C>G on transcript NM_005592.4 (MANE Select); coding-DNA position 2268, C replaced by G.
Protein change: p.Tyr756Ter; replaces tyrosine 756 with a stop codon.
Molecular consequence: nonsense.
Genome position (GRCh38, 1-based): chr9:110,800,646, C>G. VCF-style: chr9-110800646-C-G. GRCh37 (hg19) VCF-style: chr9-113562926-C-G.
Other names: c.2010C>G, p.Tyr670Ter (NM_001166280.2); c.1980C>G, p.Tyr660Ter (NM_001166281.2); c.1008C>G, p.Tyr336Ter (NM_001369398.1); short protein forms Y336*, Y660*, Y670*, Y756*.
Identifiers: ClinVar variation 3758031 (VCV003758031.2).